The following is an entry in ClinVar:

NM_024642.5(GALNT12):c.1448G>A (p.Gly483Asp)

Gene: GALNT12 (polypeptide N-acetylgalactosaminyltransferase 12; plus strand). Cytogenetic location: 9q22.33.
Variant type: single nucleotide variant.
Coding change: c.1448G>A on transcript NM_024642.5 (MANE Select); coding-DNA position 1448, G replaced by A.
Protein change: p.Gly483Asp; replaces glycine 483 with aspartic acid.
Molecular consequence: missense variant.
Genome position (GRCh38, 1-based): chr9:98,844,199, G>A. VCF-style: chr9-98844199-G-A. GRCh37 (hg19) VCF-style: chr9-101606481-G-A.
Other names: short protein forms G483D.
Identifiers: ClinVar variation 2586457 (VCV002586457.2), dbSNP rs2118494548, ClinGen allele CA374221545.
Genomic context (GRCh38, chr9:98,844,199, plus strand): 5'-CTCCCGATGAAAACCAGATTGTGGGACACCAGGTCATTCTGTACCTCTGTCATGGGATGG[G>A]CCAGAATCAGGTAGGTATGAGCCTCAAAAGAGGAGAAAGCTGTGTGTTTTGTTAAAAAAA-3'
Protein context (NP_078918.3, residues 473-493): QVILYLCHGM[Gly483Asp]QNQFFEYTSQ

ClinVar aggregate classification (germline): Uncertain significance (1 of 4 stars; one submission).

Submission:

Ambry Genetics
Classification: Uncertain significance. Last evaluated: 2023-07-09. Review status: criteria provided, single submitter. Criteria: Ambry Variant Classification Scheme 2023. Collection method: clinical testing. Allele origin: germline.
Comment: The p.G483D variant (also known as c.1448G>A), located in coding exon 8 of the GALNT12 gene, results from a G to A substitution at nucleotide position 1448. The glycine at codon 483 is replaced by aspartic acid, an amino acid with similar properties. This amino acid position is conserved. In addition, the in silico prediction for this alteration is inconclusive. Since supporting evidence is limited at this time, the clinical significance of this alteration remains unclear.